The following is an entry in ClinVar:

ClinVar aggregate classification (germline): Likely benign. Review status: criteria provided, multiple submitters, no conflicts (2 of 4 stars). 4 submissions from 4 submitters: Likely benign (4). Last evaluated 2025-03-16.

Conditions:
Cardiomyopathy (CMYO). Also called: Cardiomyopathies. Identifiers: Orphanet 167848, MedGen C0878544, MONDO:0004994, HP:0001638. Inheritance: Various modes of inheritance.
Catecholaminergic polymorphic ventricular tachycardia 1. Also called: RYR2-Related Catecholaminergic Polymorphic Ventricular Tachycardia; VENTRICULAR TACHYCARDIA, CATECHOLAMINERGIC POLYMORPHIC, 1, WITH OR WITHOUT ATRIAL DYSFUNCTION AND/OR DILATED CARDIOMYOPATHY; VENTRICULAR TACHYCARDIA, STRESS-INDUCED POLYMORPHIC 1. Identifiers: Orphanet 3286, MedGen C1631597, MONDO:0011484, OMIM 604772.

Allele frequency attached by ClinVar (database versions not stated): ExAC 0.00002; gnomAD exomes 0.00002; TOPMed 0.00003; gnomAD 0.00005 and 0.00006.
gnomAD v4.1: 18 of 1,608,898 alleles (0.0011%); highest among the groups gnomAD compares: African/African-American, 0.0053%; no homozygotes.

Submissions (4):

Labcorp Genetics (formerly Invitae), Labcorp
Classification: Likely benign for Catecholaminergic polymorphic ventricular tachycardia 1. Last evaluated: 2025-03-16. Review status: criteria provided, single submitter. Criteria: Invitae Variant Classification Sherloc (09022015). Collection method: clinical testing. Allele origin: germline.

Women's Health and Genetics/Laboratory Corporation of America, LabCorp
Classification: Likely benign. Last evaluated: 2023-12-03. Review status: criteria provided, single submitter. Criteria: LabCorp Variant Classification Summary - May 2015. Collection method: clinical testing. Allele origin: germline.

Color Diagnostics, LLC DBA Color Health
Classification: Likely benign for Cardiomyopathy. Last evaluated: 2019-06-01. Review status: criteria provided, single submitter. Criteria: ACMG Guidelines, 2015. Collection method: clinical testing. Allele origin: germline.

GeneDx
Classification: Likely benign. Last evaluated: 2018-03-08. Review status: criteria provided, single submitter. Criteria: GeneDx Variant Classification (06012015). Collection method: clinical testing. Allele origin: germline. Affected: yes.
Comment: This variant is considered likely benign or benign based on one or more of the following criteria: it is a conservative change, it occurs at a poorly conserved position in the protein, it is predicted to be benign by multiple in silico algorithms, and/or has population frequency not consistent with disease.

NM_001035.3(RYR2):c.1962-12G>A

Gene: RYR2 (ryanodine receptor 2; plus strand). Cytogenetic location: 1q43.
Variant type: single nucleotide variant.
Coding change: c.1962-12G>A on transcript NM_001035.3 (MANE Select); 12 bases into the intron before coding-DNA position 1962, G replaced by A.
Molecular consequence: intron variant.
Genome position (GRCh38, 1-based): chr1:237,496,499, G>A. VCF-style: chr1-237496499-G-A. GRCh37 (hg19) VCF-style: chr1-237659799-G-A.
Other names: c.1962-12G>A (LRG_402t1).
Identifiers: ClinVar variation 516596 (VCV000516596.13), dbSNP rs368241264, ClinGen allele CA085926.
Genomic context (GRCh38, chr1:237,496,499, plus strand): 5'-TGTGAGATGTAAATGAAAACAATGAAAGGTTTTTTTGGACTTTCCTTACATGTGATTCCC[G>A]TCTCTTTAAAGCATGAGACCCAATATTTTTCTGGGCGTCAGTGAAGGTTCTGCTCAGTAT-3'